The following is an entry in ClinVar:

NM_000038.6(APC):c.1997_1998del (p.Leu666fs)

Gene: APC (APC regulator of Wnt signaling pathway; plus strand). Cytogenetic location: 5q22.2.
Variant type: Deletion.
Coding change: c.1997_1998del on transcript NM_000038.6 (MANE Select); coding-DNA positions 1997 to 1998, 2 bases deleted (TA; older notation c.1997_1998delTA).
Protein change: p.Leu666fs; shifts the reading frame from leucine 666.
Molecular consequence: frameshift variant.
Genome position (GRCh38, 1-based): chr5:112,837,591-112,837,592, TA deleted. VCF-style (leftmost placement, unchanged base first): chr5-112837590-TTA-T. GRCh37 (hg19) VCF-style: chr5-112173287-TTA-T.
Other names: c.1997_1998del, p.Leu666fs (NM_001127510.3, NM_001354895.2); c.1943_1944del, p.Leu648fs (NM_001127511.3); c.2051_2052del, p.Leu684fs (NM_001354896.2); c.2027_2028del, p.Leu676fs (NM_001354897.2); c.1922_1923del, p.Leu641fs (NM_001354898.2); c.1913_1914del, p.Leu638fs (NM_001354899.2); c.1874_1875del, p.Leu625fs (NM_001354900.2); c.1820_1821del, p.Leu607fs (NM_001354901.2); and 5 more; short protein forms L648fs, L575fs, L607fs, L641fs, L666fs, L676fs, L638fs, L684fs.
Identifiers: ClinVar variation 1451150 (VCV001451150.8), dbSNP rs2149858387, ClinGen allele CA2573138916.

ClinVar aggregate classification (germline): Pathogenic (1 of 4 stars; one submission).

Conditions:
Familial adenomatous polyposis 1 (FAP1). Also called: FAMILIAL ADENOMATOUS POLYPOSIS 1, ATTENUATED; POLYPOSIS, ADENOMATOUS INTESTINAL. Identifiers: MedGen C2713442, MONDO:0021056, OMIM 175100. Disease mechanism: loss of function.

Submission:

Labcorp Genetics (formerly Invitae), Labcorp
Classification: Pathogenic for Familial adenomatous polyposis 1. Last evaluated: 2022-04-01. Review status: criteria provided, single submitter. Criteria: Invitae Variant Classification Sherloc (09022015). Collection method: clinical testing. Allele origin: germline.
Comment: For these reasons, this variant has been classified as Pathogenic. A different truncation (p.Tyr2645Lysfs*14) that lies downstream of this variant has been determined to be pathogenic (PMID: 9824584, 1316610, 27081525, 8381579, 22135120, Invitae). This suggests that deletion of this region of the APC protein is causative of disease. This variant is expected to disrupt the EB1 and HDLG binding sites, which mediate interactions with the cytoskeleton (PMID: 15311282, 17293347). While functional studies have not been performed to directly test the effect on APC protein function, this suggests that disruption of the C-terminal portion of the protein is functionally important. This variant has not been reported in the literature in individuals affected with APC-related conditions. This variant is not present in population databases (gnomAD no frequency). This sequence change creates a premature translational stop signal (p.Leu666Serfs*7) in the APC gene. While this is not anticipated to result in nonsense mediated decay, it is expected to disrupt the last 2178 amino acid(s) of the APC protein.

Literature cited by the submitters: PubMed 9824584; PubMed 1316610; PubMed 27081525; PubMed 8381579; PubMed 22135120; PubMed 15311282; PubMed 17293347.